The following is an entry in ClinVar:

NM_001206999.2(CIT):c.1072C>G (p.Pro358Ala)

Gene: CIT (citron rho-interacting serine/threonine kinase; minus strand). Cytogenetic location: 12q24.23.
Variant type: single nucleotide variant.
Coding change: c.1072C>G on transcript NM_001206999.2 (MANE Select); coding-DNA position 1072, C replaced by G.
Protein change: p.Pro358Ala; replaces proline 358 with alanine.
Molecular consequence: missense variant.
Genome position (GRCh38, 1-based): chr12:119,822,859, G>C on the plus strand (C>G on the coding strand, the complement: CIT is on the minus strand). VCF-style: chr12-119822859-G-C. GRCh37 (hg19) VCF-style: chr12-120260663-G-C.
Other names: c.1072C>G, p.Pro358Ala (NM_007174.3); c.1072C>G (NM_001206999.1); short protein forms P358A.
Identifiers: ClinVar variation 2014560 (VCV002014560.5), dbSNP rs199836387, ClinGen allele CA6822214.
Genomic context (GRCh38, chr12:119,822,859, plus strand): 5'-AAGGAAAACAGCCCTACTTACAGTTACGAATGTTGTTCCAGTCAATTTTAGAGAAGAAAG[G>C]ATGGCAGCAAAGACCTTCAAACTTCAGTCTCTCTTTCTGGCCGCACAACAAGCTTTGAAT-3'
Protein context (NP_001193928.1, residues 348-368): RLKFEGLCCH[Pro358Ala]FFSKIDWNNI

ClinVar aggregate classification (germline): Conflicting classifications of pathogenicity. Review status: criteria provided, conflicting classifications (1 of 4 stars). 2 submissions from 2 submitters: Uncertain significance (1); Likely benign (1). Last evaluated 2026-04-02.

Allele frequency attached by ClinVar (database versions not stated): gnomAD 0.00005; 1000 Genomes Project 30x 0.00016; ExAC 0.00016; TOPMed 0.00018; 1000 Genomes Project 0.00020.
gnomAD v4.1: 63 of 1,614,086 alleles (0.0039%); highest among the groups gnomAD compares: Admixed American, 0.1%; no homozygotes.

Submissions (2):

GeneDx
Classification: Uncertain significance. Last evaluated: 2026-04-02. Review status: criteria provided, single submitter. Criteria: GeneDx Variant Classification Process June 2021. Collection method: clinical testing. Allele origin: germline.
Comment: In silico analysis supports that this missense variant has a deleterious effect on protein structure/function; Has not been previously published as pathogenic or benign to our knowledge

Labcorp Genetics (formerly Invitae), Labcorp
Classification: Likely benign. Last evaluated: 2025-07-09. Review status: criteria provided, single submitter. Criteria: Invitae Variant Classification Sherloc (09022015). Collection method: clinical testing. Allele origin: germline.